The following is an entry in ClinVar:

ClinVar aggregate classification (germline): Pathogenic. Review status: criteria provided, multiple submitters, no conflicts (2 of 4 stars). 6 submissions from 5 submitters: Pathogenic (5). 1 of the submissions does not count toward it. Last evaluated 2024-09-22.

Conditions:
USH2A-related disorder. Also called: USH2A-related condition; USH2A-related disorders. Identifiers: MedGen CN239332.
Retinitis pigmentosa 39 (RP39). Identifiers: Orphanet 791, MedGen C3151138, MONDO:0013436, OMIM 613809.
Usher syndrome type 2A. Also called: RETINAL DISEASE IN USHER SYNDROME TYPE IIA, MODIFIER OF; USHER SYNDROME, TYPE IIA. Identifiers: Orphanet 231178, Orphanet 886, MedGen C1848634, MONDO:0010169, OMIM 276901.

Allele frequency attached by ClinVar (database versions not stated): gnomAD exomes below 0.00001; gnomAD 0.00001.
gnomAD v4.1: 2 of 1,602,640 alleles (0.00012%); highest among the groups gnomAD compares: Non-Finnish European, 0.00017%; no homozygotes.

Submissions (6):

Labcorp Genetics (formerly Invitae), Labcorp
Classification: Pathogenic. Last evaluated: 2024-09-22. Review status: criteria provided, single submitter. Criteria: Invitae Variant Classification Sherloc (09022015). Collection method: clinical testing. Allele origin: germline.
Comment: This sequence change affects an acceptor splice site in intron 16 of the USH2A gene. It is expected to disrupt RNA splicing. Variants that disrupt the donor or acceptor splice site typically lead to a loss of protein function (PMID: 16199547), and loss-of-function variants in USH2A are known to be pathogenic (PMID: 10729113, 10909849, 20507924, 25649381). This variant is not present in population databases (gnomAD no frequency). Disruption of this splice site has been observed in individual(s) with Usher syndrome (PMID: 17405132). In at least one individual the data is consistent with being in trans (on the opposite chromosome) from a pathogenic variant. ClinVar contains an entry for this variant (Variation ID: 866916). Algorithms developed to predict the effect of sequence changes on RNA splicing suggest that this variant may disrupt the consensus splice site. For these reasons, this variant has been classified as Pathogenic.

Genome-Nilou Lab
Classification: Pathogenic for Retinitis pigmentosa 39. Last evaluated: 2023-04-11. Review status: criteria provided, single submitter. Criteria: ACMG Guidelines, 2015. Collection method: clinical testing. Allele origin: germline. Affected: no.

Genome-Nilou Lab
Classification: Pathogenic for Usher syndrome type 2A. Last evaluated: 2023-04-11. Review status: criteria provided, single submitter. Criteria: ACMG Guidelines, 2015. Collection method: clinical testing. Allele origin: germline. Affected: no.

Victorian Clinical Genetics Services, Murdoch Childrens Research Institute
Classification: Pathogenic for Usher syndrome type 2A. Last evaluated: 2021-05-06. Review status: criteria provided, single submitter. Criteria: ACMG Guidelines, 2015. Collection method: clinical testing. Allele origin: germline. Inheritance: Autosomal recessive inheritance.
Comment: Based on the classification scheme VCGS_Germline_v1.3.4, this variant is classified as Pathogenic. Following criteria are met: 0102 - Loss of function is a known mechanism of disease in this gene and is associated with retinitis pigmentosa 39 (MIM#6138093) and type 2A Usher syndrome (MIM#276901). (I) 0106 - This gene is associated with autosomal recessive disease. (I) 0211 - Canonical splice site variant without proven consequence on splicing (no functional evidence available). (SP) 0251 - This variant is heterozygous. (I) 0304 - Variant is present in gnomAD <0.01 for a recessive condition (v3: 1 heterozygote, 0 homozygotes). (SP) 0505 - Abnormal splicing is predicted by in silico tools and affected nucleotide is highly conserved. (SP) 0704 - Another canonical splice site variant comparable to the one identified in this case has limited previous evidence for pathogenicity (ClinVar, PMID: 27460420). (SP) 0802 - This variant has moderate previous evidence of pathogenicity in unrelated individuals with retinitis pigmentosa and Usher syndrome (ClinVar, PMIDs: 17405132, 23591405, 27460420). (SP) 0905 - No published segregation evidence has been identified for this variant. (I) 1007 - No published functional evidence has been identified for this variant. (I) 1208 - Inheritance information for this variant is not currently available in this individual. (I) Legend: (SP) - Supporting pathogenic, (I) - Information, (SB) - Supporting benign

Blueprint Genetics
Classification: Pathogenic for USH2A-related disorders. Last evaluated: 2021-02-08. Review status: criteria provided, single submitter. Criteria: ACMG Guidelines, 2015. Collection method: clinical testing. Allele origin: germline. Affected: yes. Observed: 2 variant alleles.

Natera, Inc.
Classification: Pathogenic for Usher syndrome type 2A. Last evaluated: 2020-08-10. Review status: no assertion criteria provided. Collection method: clinical testing. Allele origin: germline. Not counted in ClinVar's aggregate classification.

Literature cited by the submitters: PubMed 16199547 (cited by Labcorp Genetics (formerly Invitae), Labcorp); PubMed 10729113 (cited by Labcorp Genetics (formerly Invitae), Labcorp); PubMed 10909849 (cited by Labcorp Genetics (formerly Invitae), Labcorp); PubMed 20507924 (cited by Labcorp Genetics (formerly Invitae), Labcorp); PubMed 25649381 (cited by Labcorp Genetics (formerly Invitae), Labcorp); PubMed 17405132 (cited by Labcorp Genetics (formerly Invitae), Labcorp and Victorian Clinical Genetics Services, Murdoch Childrens Research Institute); PubMed 23591405 (cited by Victorian Clinical Genetics Services, Murdoch Childrens Research Institute); PubMed 27460420 (cited by Victorian Clinical Genetics Services, Murdoch Childrens Research Institute).

NM_206933.4(USH2A):c.3317-2A>G

Genes: USH2A (usherin; minus strand), USH2A-AS1 (USH2A antisense RNA 1; plus strand). Cytogenetic location: 1q41.
Variant type: single nucleotide variant.
Coding change: c.3317-2A>G on transcript NM_206933.4 (MANE Select); the canonical splice acceptor site of the intron before coding-DNA position 3317, A replaced by G.
Molecular consequence: splice acceptor variant.
Genome position (GRCh38, 1-based): chr1:216,200,123, T>C on the plus strand (A>G on the coding strand, the complement: USH2A is on the minus strand). VCF-style: chr1-216200123-T-C. GRCh37 (hg19) VCF-style: chr1-216373465-T-C.
Other names: c.3317-2A>G (NM_007123.6).
Identifiers: ClinVar variation 866916 (VCV000866916.14), dbSNP rs2034951427, ClinGen allele CA344869184.
Genomic context (GRCh38, chr1:216,200,123, plus strand): 5'-AATGTAATAGGAATATTTGGTATATGGTAACAGGTCTGTGTCTAAGAAGTATTGAATACC[T>C]GAAATGAAAAGAAAAAAAAAAAACAAAGTTACATTTCACAAGTTGGTGAAGAATCATTGC-3'